The following is an entry in ClinVar:

ClinVar aggregate classification (germline): Uncertain significance. Review status: criteria provided, multiple submitters, no conflicts (2 of 4 stars). 2 submissions from 2 submitters: Uncertain significance (2). Last evaluated 2025-04-29.

Conditions:
Inborn genetic diseases. Identifiers: MedGen C0950123, MeSH D030342.

Submissions (2):

Labcorp Genetics (formerly Invitae), Labcorp
Classification: Uncertain significance. Last evaluated: 2025-04-29. Review status: criteria provided, single submitter. Criteria: Invitae Variant Classification Sherloc (09022015). Collection method: clinical testing. Allele origin: germline.
Comment: This sequence change replaces lysine, which is basic and polar, with glutamic acid, which is acidic and polar, at codon 793 of the AP3D1 protein (p.Lys793Glu). This variant is present in population databases (no rsID available, gnomAD 0.01%). This variant has not been reported in the literature in individuals affected with AP3D1-related conditions. An algorithm developed to predict the effect of missense changes on protein structure and function (PolyPhen-2) suggests that this variant is likely to be tolerated. In summary, the available evidence is currently insufficient to determine the role of this variant in disease. Therefore, it has been classified as a Variant of Uncertain Significance.

Ambry Genetics
Classification: Uncertain significance for Inborn genetic diseases. Last evaluated: 2025-04-02. Review status: criteria provided, single submitter. Criteria: Ambry Variant Classification Scheme 2023. Collection method: clinical testing. Allele origin: germline.

NM_001261826.3(AP3D1):c.2377A>G (p.Lys793Glu)

Gene: AP3D1 (adaptor related protein complex 3 subunit delta 1; minus strand). Cytogenetic location: 19p13.3.
Variant type: single nucleotide variant.
Coding change: c.2377A>G on transcript NM_001261826.3 (MANE Select); coding-DNA position 2377, A replaced by G.
Protein change: p.Lys793Glu; replaces lysine 793 with glutamic acid.
Molecular consequence: missense variant.
Genome position (GRCh38, 1-based): chr19:2,114,794, T>C on the plus strand (A>G on the coding strand, the complement: AP3D1 is on the minus strand). VCF-style: chr19-2114794-T-C. GRCh37 (hg19) VCF-style: chr19-2114793-T-C.
Other names: c.2377A>G, p.Lys793Glu (NM_001374799.1, NM_003938.8); short protein forms K793E.
Identifiers: ClinVar variation 3922895 (VCV003922895.2).